The following is an entry in ClinVar:

NM_016169.4(SUFU):c.1105G>A (p.Val369Ile)

Gene: SUFU (SUFU negative regulator of hedgehog signaling; plus strand). Cytogenetic location: 10q24.32.
Variant type: single nucleotide variant.
Coding change: c.1105G>A on transcript NM_016169.4 (MANE Select); coding-DNA position 1105, G replaced by A.
Protein change: p.Val369Ile; replaces valine 369 with isoleucine.
Molecular consequence: missense variant.
Genome position (GRCh38, 1-based): chr10:102,615,350, G>A. VCF-style: chr10-102615350-G-A. GRCh37 (hg19) VCF-style: chr10-104375107-G-A.
Other names: c.1105G>A, p.Val369Ile (NM_001178133.2); short protein forms V369I.
Identifiers: ClinVar variation 135286 (VCV000135286.50), dbSNP rs149449923, ClinGen allele CA162225.
Genomic context (GRCh38, chr10:102,615,350, plus strand): 5'-AGTGACAGCTCCACGGCCATCATTCCCCATGAGCTGATTCGCACGCGGCAGCTTGAGAGC[G>A]TACATCTGAAATTCAACCAGGAGTCCGGAGCCCTCATTCCTCTCTGCCTAAGGTGAGCGA-3'
Protein context (NP_057253.2, residues 359-379): ELIRTRQLES[Val369Ile]HLKFNQESGA

ClinVar aggregate classification (germline): Conflicting classifications of pathogenicity. Review status: criteria provided, conflicting classifications (1 of 4 stars). 9 submissions from 9 submitters: Uncertain significance (7); Benign (1). 1 of the submissions does not count toward it. Last evaluated 2026-02-02.

Conditions:
Joubert syndrome 32 (JBTS32). Identifiers: MedGen C4540342, MONDO:0033309, OMIM 617757.
Medulloblastoma (MDB). Also called: MEDULLOBLASTOMA PREDISPOSITION SYNDROME; Medulloblastoma, somatic. Identifiers: Orphanet 616, MedGen C0025149, MeSH D008527, MONDO:0007959, OMIM 155255, HP:0002885.
Basal cell nevus syndrome 2 (BCNS2). Also called: NEVOID BASAL CELL CARCINOMA SYNDROME 2. Identifiers: MedGen C5830451, MONDO:0958189, OMIM 620343.
Familial meningioma. Also called: Meningioma, familial, susceptibility to. Identifiers: Orphanet 263662, MedGen C3551915, MONDO:0011789, OMIM 607174.
Gorlin syndrome. Also called: Basal cell nevus syndrome; Nevoid Basal Cell Carcinoma Syndrome. Identifiers: Orphanet 377, MedGen C0004779, MONDO:0007187.
Hereditary cancer-predisposing syndrome. Also called: Tumor predisposition; Hereditary neoplastic syndrome; Hereditary Cancer Syndrome; Neoplastic Syndromes, Hereditary. Identifiers: Orphanet 140162, MedGen C0027672, MeSH D009386, MONDO:0015356.

Allele frequency attached by ClinVar (database versions not stated): gnomAD exomes 0.00003 and 0.00009; gnomAD 0.00006; ExAC 0.00009; TOPMed 0.00009; ESP Exome Variant Server 0.00015; 1000 Genomes Project 30x 0.00016; 1000 Genomes Project 0.00020.
gnomAD v4.1: 58 of 1,614,080 alleles (0.0036%); highest among the groups gnomAD compares: East Asian, 0.036%; no homozygotes.

Submissions (9):

Labcorp Genetics (formerly Invitae), Labcorp
Classification: Uncertain significance for Gorlin syndrome; Medulloblastoma. Last evaluated: 2026-02-02. Review status: criteria provided, single submitter. Criteria: Invitae Variant Classification Sherloc (09022015). Collection method: clinical testing. Allele origin: germline.
Comment: This sequence change replaces valine, which is neutral and non-polar, with isoleucine, which is neutral and non-polar, at codon 369 of the SUFU protein (p.Val369Ile). This variant is present in population databases (rs149449923, gnomAD 0.06%). This variant has not been reported in the literature in individuals affected with SUFU-related conditions. ClinVar contains an entry for this variant (Variation ID: 135286). Invitae Evidence Modeling of protein sequence and biophysical properties (such as structural, functional, and spatial information, amino acid conservation, physicochemical variation, residue mobility, and thermodynamic stability) indicates that this missense variant is not expected to disrupt SUFU protein function with a negative predictive value of 80%. In summary, the available evidence is currently insufficient to determine the role of this variant in disease. Therefore, it has been classified as a Variant of Uncertain Significance.

Center for Genomic Medicine, Rigshospitalet, Copenhagen University Hospital
Classification: Uncertain significance. Last evaluated: 2025-12-29. Review status: criteria provided, single submitter. Criteria: ACMG Guidelines, 2015. Collection method: clinical testing. Allele origin: germline.
Comment: Classification criteria: BP4

Fulgent Genetics
Classification: Uncertain significance for Medulloblastoma; Familial meningioma; Joubert syndrome 32; Basal cell nevus syndrome 2. Last evaluated: 2024-05-29. Review status: criteria provided, single submitter. Criteria: ACMG Guidelines, 2015. Collection method: clinical testing. Allele origin: germline.

Baylor Genetics
Classification: Uncertain significance for Familial meningioma. Last evaluated: 2024-03-19. Review status: criteria provided, single submitter. Criteria: ACMG Guidelines, 2015. Collection method: clinical testing. Allele origin: unknown.

GeneDx
Classification: Uncertain significance. Last evaluated: 2024-03-14. Review status: criteria provided, single submitter. Criteria: GeneDx Variant Classification Process June 2021. Collection method: clinical testing. Allele origin: germline. Affected: yes.
Comment: In silico analysis supports that this missense variant does not alter protein structure/function; This variant is associated with the following publications: (PMID: 24728327, 32278351, 30256826)

Ambry Genetics
Classification: Benign for Hereditary cancer-predisposing syndrome. Last evaluated: 2023-07-05. Review status: criteria provided, single submitter. Criteria: Ambry Variant Classification Scheme 2023. Collection method: clinical testing. Allele origin: germline.

CeGaT Center for Human Genetics Tuebingen
Classification: Uncertain significance. Last evaluated: 2022-04-01. Review status: criteria provided, single submitter. Criteria: CeGaT Center For Human Genetics Tuebingen Variant Classification Criteria Version 2. Collection method: clinical testing. Allele origin: germline. Affected: yes. Observed: 1 variant allele.

ARUP Laboratories, Molecular Genetics and Genomics, ARUP Laboratories
Classification: Uncertain significance. Last evaluated: 2018-10-23. Review status: criteria provided, single submitter. Criteria: ARUP Molecular Germline Variant Investigation Process. Collection method: clinical testing. Allele origin: germline.
Comment: The SUFU c.1105G>A; p.Val369Ile variant (rs149449923), to our knowledge, is not reported in the medical literature but is reported as having uncertain significance in ClinVar (Variation ID: 135286). This variant is found in the East Asian population with an allele frequency of 0.06% (11/18870 alleles) in the Genome Aggregation Database. The valine at codon 369 is highly conserved but computational analyses (SIFT, PolyPhen-2) predict that this variant is tolerated. However, given the lack of clinical and functional data, the significance of the p.Val369Ile variant is uncertain at this time.

ITMI
No classification provided. Condition: AllHighlyPenetrant. Last evaluated: 2013-09-19. Review status: no classification provided. Collection method: reference population. Allele origin: germline. Not counted in ClinVar's aggregate classification.
Comment: Please see associated publication for description of ethnicities

Literature cited by the submitters: PubMed 24728327 (cited by Ambry Genetics and ITMI); PubMed 30256826 (cited by Ambry Genetics).